The following is an entry in ClinVar:

ClinVar aggregate classification (germline): Benign/Likely benign. Review status: criteria provided, multiple submitters, no conflicts (2 of 4 stars). 2 submissions from 2 submitters: Benign (1); Likely benign (1). Last evaluated 2026-09-08.

Conditions:
ATXN8OS-related disorder. Also called: ATXN8OS-related condition.

Submissions (2):

PreventionGenetics, part of Exact Sciences
Classification: Benign for ATXN8OS-related condition. Last evaluated: 2026-09-08. Review status: criteria provided, single submitter. Criteria: ACMG Guidelines, 2015. Collection method: clinical testing. Allele origin: germline.
Comment: This variant is classified as benign based on ACMG/AMP sequence variant interpretation guidelines (Richards et al. 2015 PMID: 25741868, with internal and published modifications).

Blueprint Genetics
Classification: Likely benign. Last evaluated: 2024-11-27. Review status: criteria provided, single submitter. Criteria: ACMG Guidelines, 2015. Collection method: clinical testing. Allele origin: germline.

NR_002717.3(ATXN8OS):n.896TGC[13]

Genes: ATXN8OS (ATXN8 opposite strand lncRNA; plus strand), LOC109461478 (ATXN8 opposite strand (non-protein coding) repeat instability region; plus strand). Cytogenetic location: 13q21.33.
Variant type: Microsatellite.
Molecular consequence: non-coding transcript variant (on NR_002717.3).
Genome position: GRCh38 VCF-style: chr13-70139383-ACTGCTG-A. GRCh37 (hg19) VCF-style: chr13-70713515-ACTGCTG-A.
Identifiers: ClinVar variation 4920167 (VCV004920167.2).